The following is an entry in ClinVar:

ClinVar aggregate classification (germline): Likely benign. Review status: criteria provided, multiple submitters, no conflicts (2 of 4 stars). 3 submissions from 3 submitters: Likely benign (3). Last evaluated 2025-03-23.

Conditions:
Cardiomyopathy (CMYO). Also called: Cardiomyopathies. Identifiers: Orphanet 167848, MedGen C0878544, MONDO:0004994, HP:0001638. Inheritance: Various modes of inheritance.
Hypertrophic cardiomyopathy. Also called: HYPERTROPHIC MYOCARDIOPATHY. Identifiers: Orphanet 217569, MedGen C0007194, MeSH D002312, MONDO:0005045, HP:0001639.

Allele frequency attached by ClinVar (database versions not stated): gnomAD exomes below 0.00001 and 0.00001; gnomAD 0.00001; TOPMed 0.00001; ExAC 0.00002; 1000 Genomes Project 0.00020; 1000 Genomes Project 30x 0.00031.

Submissions (3):

Labcorp Genetics (formerly Invitae), Labcorp
Classification: Likely benign for Hypertrophic cardiomyopathy. Last evaluated: 2025-03-23. Review status: criteria provided, single submitter. Criteria: Invitae Variant Classification Sherloc (09022015). Collection method: clinical testing. Allele origin: germline.

All of Us Research Program, National Institutes of Health
Classification: Likely benign for Hypertrophic cardiomyopathy. Last evaluated: 2024-01-11. Review status: criteria provided, single submitter. Criteria: ACMG Guidelines, 2015. Collection method: clinical testing. Allele origin: germline. Inheritance: Autosomal dominant inheritance. Observed: 2 variant alleles, 2 heterozygotes.
Comment: This study involves interpretation of variants in research participants for the purpose of population health screening. Participant phenotype was not available at the time of variant classification. Additional details can be found in publication PMID: 35346344, PMCID: PMC8962531

Color Diagnostics, LLC DBA Color Health
Classification: Likely benign for Cardiomyopathy. Last evaluated: 2019-06-22. Review status: criteria provided, single submitter. Criteria: ACMG Guidelines, 2015. Collection method: clinical testing. Allele origin: germline.

NM_001018005.2(TPM1):c.138G>A (p.Leu46=)

Gene: TPM1 (tropomyosin 1; plus strand). Cytogenetic location: 15q22.2.
Variant type: single nucleotide variant.
Coding change: c.138G>A on transcript NM_001018005.2 (MANE Select); coding-DNA position 138, G replaced by A.
Protein change: p.Leu46=; no amino-acid change (leucine 46 retained).
Molecular consequence: synonymous variant. On other transcripts: intron variant (3).
Genome position (GRCh38, 1-based): chr15:63,044,050, G>A. VCF-style: chr15-63044050-G-A. GRCh37 (hg19) VCF-style: chr15-63336249-G-A.
Other names: c.138G>A, p.Leu46= (NM_000366.6, NM_001018004.2, NM_001018006.2 and 3 more transcripts); c.264G>A, p.Leu88= (NM_001365778.1); c.240+219G>A (NM_001018020.2, NM_001018007.2, NM_001301244.2).
Identifiers: ClinVar variation 924198 (VCV000924198.12), dbSNP rs200509525, ClinGen allele CA027773.